The following is an entry in ClinVar:

NM_001367624.2(ZNF469):c.4363C>G (p.Leu1455Val)

Gene: ZNF469 (zinc finger protein 469; plus strand). Cytogenetic location: 16q24.2.
Variant type: single nucleotide variant.
Coding change: c.4363C>G on transcript NM_001367624.2 (MANE Select); coding-DNA position 4363, C replaced by G.
Protein change: p.Leu1455Val; replaces leucine 1455 with valine.
Molecular consequence: missense variant.
Genome position (GRCh38, 1-based): chr16:88,431,833, C>G. VCF-style: chr16-88431833-C-G. GRCh37 (hg19) VCF-style: chr16-88498241-C-G.
Other names: NM_001127464.1:c.4279C>G; p.Leu1455Val; short protein forms L1455V.
Identifiers: ClinVar variation 320920 (VCV000320920.22), dbSNP rs116532825, ClinGen allele CA8224942.
Genomic context (GRCh38, chr16:88,431,833, plus strand): 5'-GGCACCGCTGAGACGGAGCCAGGCAGGGCTGCATCGCCACCGACCTTGGAGTCCTCATCC[C>G]TCTTCCCAGACCTGCCGGTGGACAGATTCGACCCACCCCTCTATGGCAGCCTGTCTGCGA-3'
Protein context (NP_001354553.1, residues 1445-1465): ASPPTLESSS[Leu1455Val]FPDLPVDRFD

ClinVar aggregate classification (germline): Benign/Likely benign. Review status: criteria provided, multiple submitters, no conflicts (2 of 4 stars). 9 submissions from 9 submitters: Benign (4); Likely benign (5). Last evaluated 2026-02-13.

Conditions:
Brittle cornea syndrome 1 (BCS1). Also called: DYSGENESIS MESODERMALIS CORNEAE ET SCLERAE; CORNEAL FRAGILITY, KERATOGLOBUS, BLUE SCLERAE, JOINT HYPEREXTENSIBILITY; EDS6B; FRAGILITAS OCULI WITH JOINT HYPEREXTENSIBILITY; Corneal fragility keratoglobus, blue sclerae AND joint hypermobility. Identifiers: Orphanet 90354, MedGen C0268344, MONDO:0024543, OMIM 229200.
Cardiovascular phenotype. Identifiers: MedGen CN230736.

Allele frequency attached by ClinVar (database versions not stated): gnomAD exomes 0.00186; ExAC 0.00340; gnomAD 0.00765; 1000 Genomes Project 0.00859; 1000 Genomes Project 30x 0.00890; TOPMed 0.00929.
gnomAD v4.1: 2,406 of 1,549,822 alleles (0.16%); highest among the groups gnomAD compares: African/African-American, 2.8%; 37 homozygotes.

Submissions (9):

Women's Health and Genetics/Laboratory Corporation of America, LabCorp
Classification: Likely benign. Last evaluated: 2026-02-13. Review status: criteria provided, single submitter. Criteria: LabCorp Variant Classification Summary - May 2015. Collection method: clinical testing. Allele origin: germline.
Comment: Variant summary: ZNF469 c.4363C>G (p.Leu1455Val) results in a conservative amino acid change in the encoded protein sequence. Algorithms developed to predict the effect of missense changes on protein structure and function are either unavailable or do not agree on the potential impact of this missense change. The variant allele was found at a frequency of 0.0019 in 153314 control chromosomes, predominantly at a frequency of 0.029 within the African or African-American subpopulation in the gnomAD database, including 2 homozygotes. The observed variant frequency within African or African-American control individuals in the gnomAD database exceeds the estimated maximal expected allele frequency for disease-causing variants in ZNF469. To our knowledge, no occurrence of c.4363C>G in individuals affected with ZNF469-related conditions and no experimental evidence demonstrating its impact on protein function have been reported. ClinVar contains an entry for this variant (Variation ID: 320920). Based on the evidence outlined above, the variant was classified as likely benign.

Labcorp Genetics (formerly Invitae), Labcorp
Classification: Benign. Last evaluated: 2026-02-02. Review status: criteria provided, single submitter. Criteria: Invitae Variant Classification Sherloc (09022015). Collection method: clinical testing. Allele origin: germline.

Blueprint Genetics
Classification: Likely benign. Last evaluated: 2024-11-26. Review status: criteria provided, single submitter. Criteria: ACMG Guidelines, 2015. Collection method: clinical testing. Allele origin: germline.

Mayo Clinic Laboratories, Mayo Clinic
Classification: Benign. Last evaluated: 2024-01-19. Review status: criteria provided, single submitter. Criteria: ACMG Guidelines, 2015. Collection method: clinical testing. Allele origin: germline. Observed: 10 variant alleles.
Comment: BS1, BS2, BP4

Genome-Nilou Lab
Classification: Benign for Brittle cornea syndrome 1. Last evaluated: 2021-12-05. Review status: criteria provided, single submitter. Criteria: ACMG Guidelines, 2015. Collection method: clinical testing. Allele origin: germline. Affected: no.

Ambry Genetics
Classification: Likely benign for Cardiovascular phenotype. Last evaluated: 2019-03-01. Review status: criteria provided, single submitter. Criteria: Ambry Variant Classification Scheme 2023. Collection method: clinical testing. Allele origin: germline.

GeneDx
Classification: Benign. Last evaluated: 2018-08-27. Review status: criteria provided, single submitter. Criteria: GeneDx Variant Classification Process June 2021. Collection method: clinical testing. Allele origin: germline. Affected: yes.

Center for Pediatric Genomic Medicine, Children's Mercy Hospital and Clinics
Classification: Likely benign. Last evaluated: 2017-01-02. Review status: criteria provided, single submitter. Criteria: ACMG Guidelines, 2015. Collection method: clinical testing. Allele origin: germline.
ClinVar note: Converted during submission from Likely Benign to Likely benign.

Breakthrough Genomics
Classification: Likely benign. Review status: criteria provided, single submitter. Criteria: ACMG Guidelines, 2015. Collection method: not provided. Allele origin: germline. Inheritance: Autosomal recessive inheritance. Affected: yes.